The following is an entry in ClinVar:

NM_005402.4(RALA):c.611G>A (p.Cys204Tyr)

Gene: RALA (RAS like proto-oncogene A; plus strand). Cytogenetic location: 7p14.1.
Variant type: single nucleotide variant.
Coding change: c.611G>A on transcript NM_005402.4 (MANE Select); coding-DNA position 611, G replaced by A.
Protein change: p.Cys204Tyr; replaces cysteine 204 with tyrosine.
Molecular consequence: missense variant.
Genome position (GRCh38, 1-based): chr7:39,706,235, G>A. VCF-style: chr7-39706235-G-A. GRCh37 (hg19) VCF-style: chr7-39745834-G-A.
Other names: short protein forms C204Y.
Identifiers: ClinVar variation 2630852 (VCV002630852.1), dbSNP rs2534060101, ClinGen allele CA367307409.

ClinVar aggregate classification (germline): Uncertain significance (1 of 4 stars; one submission).

Conditions:
RALA-related disorder. Also called: RALA-related condition.

gnomAD v4.1: 1 of 1,605,922 alleles (0.000062%); highest among the groups gnomAD compares: Non-Finnish European, 0.000085%; no homozygotes.

Submission:

PreventionGenetics, part of Exact Sciences
Classification: Uncertain significance for RALA-related condition. Last evaluated: 2023-09-15. Review status: criteria provided, single submitter. Criteria: ACMG Guidelines, 2015. Collection method: clinical testing. Allele origin: germline.
Comment: The RALA c.611G>A variant is predicted to result in the amino acid substitution p.Cys204Tyr. To our knowledge, this variant has not been reported in the literature or in a large population database, indicating this variant is rare. At this time, the clinical significance of this variant is uncertain due to the absence of conclusive functional and genetic evidence.